The following is an entry in ClinVar:

ClinVar aggregate classification (germline): Uncertain significance (1 of 4 stars; one submission).

Conditions:
Hereditary cancer-predisposing syndrome. Also called: Neoplastic Syndromes, Hereditary; Tumor predisposition; Hereditary Cancer Syndrome; Hereditary neoplastic syndrome. Identifiers: Orphanet 140162, MedGen C0027672, MeSH D009386, MONDO:0015356.

Submission:

Color Diagnostics, LLC DBA Color Health
Classification: Uncertain significance for Hereditary cancer-predisposing syndrome. Last evaluated: 2020-04-06. Review status: criteria provided, single submitter. Criteria: ACMG Guidelines, 2015. Collection method: clinical testing. Allele origin: germline.
Comment: This missense variant replaces glutamic acid with alanine at codon 936 of the BRIP1 protein. Computational prediction suggests that this variant may not impact protein structure and function (internally defined REVEL score threshold <= 0.5, PMID: 27666373). To our knowledge, functional studies have not been reported for this variant. This variant has not been reported in individuals affected with hereditary cancer in the literature. This variant has not been identified in the general population by the Genome Aggregation Database (gnomAD). The available evidence is insufficient to determine the role of this variant in disease conclusively. Therefore, this variant is classified as a Variant of Uncertain Significance.

NM_032043.3(BRIP1):c.2807A>C (p.Glu936Ala)

Gene: BRIP1 (BRCA1 interacting DNA helicase 1; minus strand). Cytogenetic location: 17q23.2.
Variant type: single nucleotide variant.
Coding change: c.2807A>C on transcript NM_032043.3 (MANE Select); coding-DNA position 2807, A replaced by C.
Protein change: p.Glu936Ala; replaces glutamic acid 936 with alanine.
Molecular consequence: missense variant.
Genome position (GRCh38, 1-based): chr17:61,685,934, T>G on the plus strand (A>C on the coding strand, the complement: BRIP1 is on the minus strand). VCF-style: chr17-61685934-T-G. GRCh37 (hg19) VCF-style: chr17-59763295-T-G.
Other names: short protein forms E936A.
Identifiers: ClinVar variation 926656 (VCV000926656.3), dbSNP rs878855149, ClinGen allele CA400481493.